The following is an entry in ClinVar:

ClinVar aggregate classification (germline): Uncertain significance (1 of 4 stars; one submission).

Conditions:
Catecholaminergic polymorphic ventricular tachycardia 1. Also called: VENTRICULAR TACHYCARDIA, CATECHOLAMINERGIC POLYMORPHIC, 1, WITH OR WITHOUT ATRIAL DYSFUNCTION AND/OR DILATED CARDIOMYOPATHY; RYR2-Related Catecholaminergic Polymorphic Ventricular Tachycardia; VENTRICULAR TACHYCARDIA, STRESS-INDUCED POLYMORPHIC 1. Identifiers: Orphanet 3286, MedGen C1631597, MONDO:0011484, OMIM 604772.

Submission:

Labcorp Genetics (formerly Invitae), Labcorp
Classification: Uncertain significance for Catecholaminergic polymorphic ventricular tachycardia 1. Last evaluated: 2024-10-18. Review status: criteria provided, single submitter. Criteria: Invitae Variant Classification Sherloc (09022015). Collection method: clinical testing. Allele origin: germline.
Comment: This sequence change replaces isoleucine, which is neutral and non-polar, with methionine, which is neutral and non-polar, at codon 4893 of the RYR2 protein (p.Ile4893Met). This variant is not present in population databases (gnomAD no frequency). This variant has not been reported in the literature in individuals affected with RYR2-related conditions. Invitae Evidence Modeling of protein sequence and biophysical properties (such as structural, functional, and spatial information, amino acid conservation, physicochemical variation, residue mobility, and thermodynamic stability) has been performed for this missense variant. However, the output from this modeling did not meet the statistical confidence thresholds required to predict the impact of this variant on RYR2 protein function. In summary, the available evidence is currently insufficient to determine the role of this variant in disease. Therefore, it has been classified as a Variant of Uncertain Significance.

NM_001035.3(RYR2):c.14679A>G (p.Ile4893Met)

Gene: RYR2 (ryanodine receptor 2; plus strand). Cytogenetic location: 1q43.
Variant type: single nucleotide variant.
Coding change: c.14679A>G on transcript NM_001035.3 (MANE Select); coding-DNA position 14679, A replaced by G.
Protein change: p.Ile4893Met; replaces isoleucine 4893 with methionine.
Molecular consequence: missense variant.
Genome position (GRCh38, 1-based): chr1:237,830,553, A>G. VCF-style: chr1-237830553-A-G. GRCh37 (hg19) VCF-style: chr1-237993853-A-G.
Other names: short protein forms I4893M.
Identifiers: ClinVar variation 2919110 (VCV002919110.3), dbSNP rs2528471013, ClinGen allele CA345409681.